The following is an entry in ClinVar:

ClinVar aggregate classification (germline): Likely benign. Review status: criteria provided, single submitter (1 of 4 stars). 2 submissions from 2 submitters: Likely benign (1). 1 of the submissions does not count toward it. Last evaluated 2024-11-25.

Conditions:
ZFHX3-related disorder. Also called: ZFHX3-related condition.

Submissions (2):

Blueprint Genetics
Classification: Likely benign. Last evaluated: 2024-11-25. Review status: criteria provided, single submitter. Criteria: ACMG Guidelines, 2015. Collection method: clinical testing. Allele origin: germline.

PreventionGenetics, part of Exact Sciences
Classification: Benign for ZFHX3-related condition. Last evaluated: 2019-08-12. Review status: no assertion criteria provided. Collection method: clinical testing. Allele origin: germline. Not counted in ClinVar's aggregate classification.
Comment: This variant is classified as benign based on ACMG/AMP sequence variant interpretation guidelines (Richards et al. 2015 PMID: 25741868, with internal and published modifications).

NM_006885.4(ZFHX3):c.5194CAA[6] (p.Gln1738_Gln1741del)

Genes: ZFHX3 (zinc finger homeobox 3; minus strand), ZFHX3-AS1 (ZFHX3 antisense RNA 1; plus strand). Cytogenetic location: 16q22.2.
Variant type: Microsatellite.
Coding change: c.5194CAA[6] on transcript NM_006885.4 (MANE Select); six copies in a row of the 3-base unit CAA starting at c.5194; the reference has ten copies in a row; four copies, 12 bases deleted.
Protein change: p.Gln1738_Gln1741del.
Genome position (GRCh38, 1-based): chr16:72,797,459-72,797,470, TTGTTGTTGTTG deleted on the plus strand (CAACAACAACAA on the coding strand, the reverse complement: ZFHX3 is on the minus strand); deleting any 12 consecutive bases within chr16:72,797,459-72,797,488 gives the same sequence; the position shown is the placement nearest the transcript's 3' end. VCF-style (leftmost placement, unchanged base first): chr16-72797458-CTTGTTGTTGTTG-C. GRCh37 (hg19) VCF-style: chr16-72831357-CTTGTTGTTGTTG-C.
Other names: c.2452CAA[6], p.Gln824_Gln827del (NM_001164766.2); c.5194CAA[6], p.Gln1738_Gln1741del (NM_001386735.1).
Identifiers: ClinVar variation 3053230 (VCV003053230.3), dbSNP rs34918837, ClinGen allele CA8163641.